The following is an entry in ClinVar:

NM_003246.4(THBS1):c.2736C>T (p.Leu912=)

Gene: THBS1 (thrombospondin 1; plus strand). Cytogenetic location: 15q14.
Variant type: single nucleotide variant.
Coding change: c.2736C>T on transcript NM_003246.4 (MANE Select); coding-DNA position 2736, C replaced by T.
Protein change: p.Leu912=; no amino-acid change (leucine 912 retained).
Molecular consequence: synonymous variant.
Genome position (GRCh38, 1-based): chr15:39,592,771, C>T. VCF-style: chr15-39592771-C-T. GRCh37 (hg19) VCF-style: chr15-39884972-C-T.
Identifiers: ClinVar variation 2645161 (VCV002645161.24), dbSNP rs146172408, ClinGen allele CA7472299.

ClinVar aggregate classification (germline): Likely benign (1 of 4 stars; one submission).

Allele frequency attached by ClinVar (database versions not stated): gnomAD exomes 0.00003; ExAC 0.00006; ESP Exome Variant Server 0.00023.
gnomAD v4.1: 64 of 1,613,900 alleles (0.004%); highest among the groups gnomAD compares: African/African-American, 0.0053%; no homozygotes.

Submission:

CeGaT Center for Human Genetics Tuebingen
Classification: Likely benign. Last evaluated: 2022-07-01. Review status: criteria provided, single submitter. Criteria: CeGaT Center For Human Genetics Tuebingen Variant Classification Criteria Version 2. Collection method: clinical testing. Allele origin: germline. Affected: yes. Observed: 1 variant allele.
Comment: THBS1: BP4, BP7